The following is an entry in ClinVar:

ClinVar aggregate classification (germline): Uncertain significance (1 of 4 stars; one submission).

gnomAD v4.1: 6 of 1,614,036 alleles (0.00037%); highest among the groups gnomAD compares: East Asian, 0.0045%; no homozygotes.

Submission:

Labcorp Genetics (formerly Invitae), Labcorp
Classification: Uncertain significance. Last evaluated: 2022-06-17. Review status: criteria provided, single submitter. Criteria: Invitae Variant Classification Sherloc (09022015). Collection method: clinical testing. Allele origin: germline.
Comment: This sequence change replaces proline, which is neutral and non-polar, with arginine, which is basic and polar, at codon 103 of the ERCC2 protein (p.Pro103Arg). This variant is present in population databases (rs142462393, gnomAD 0.01%). This variant has not been reported in the literature in individuals affected with ERCC2-related conditions. Algorithms developed to predict the effect of missense changes on protein structure and function (SIFT, PolyPhen-2, Align-GVGD) all suggest that this variant is likely to be tolerated. In summary, the available evidence is currently insufficient to determine the role of this variant in disease. Therefore, it has been classified as a Variant of Uncertain Significance.

NM_000400.4(ERCC2):c.308C>G (p.Pro103Arg)

Gene: ERCC2 (ERCC excision repair 2, TFIIH core complex helicase subunit; minus strand). Cytogenetic location: 19q13.32.
Variant type: single nucleotide variant.
Coding change: c.308C>G on transcript NM_000400.4 (MANE Select); coding-DNA position 308, C replaced by G.
Protein change: p.Pro103Arg; replaces proline 103 with arginine.
Molecular consequence: missense variant.
Genome position (GRCh38, 1-based): chr19:45,368,682, G>C on the plus strand (C>G on the coding strand, the complement: ERCC2 is on the minus strand). VCF-style: chr19-45368682-G-C. GRCh37 (hg19) VCF-style: chr19-45871940-G-C.
Other names: c.236C>G, p.Pro79Arg (NM_001130867.2); short protein forms P103R, P79R.
Identifiers: ClinVar variation 1983554 (VCV001983554.1), dbSNP rs142462393, ClinGen allele CA9513833.